The following is an entry in ClinVar:

NM_001930.4(DHPS):c.435C>T (p.Pro145=)

Gene: DHPS (deoxyhypusine synthase; minus strand). Cytogenetic location: 19p13.13.
Variant type: single nucleotide variant.
Coding change: c.435C>T on transcript NM_001930.4 (MANE Select); coding-DNA position 435, C replaced by T.
Protein change: p.Pro145=; no amino-acid change (proline 145 retained).
Molecular consequence: synonymous variant. On other transcripts: 5 prime UTR variant (1), non-coding transcript variant (4).
Genome position (GRCh38, 1-based): chr19:12,679,860, G>A on the plus strand (C>T on the coding strand, the complement: DHPS is on the minus strand). VCF-style: chr19-12679860-G-A. GRCh37 (hg19) VCF-style: chr19-12790674-G-A.
Other names: c.309C>T, p.Pro103= (NM_001206974.2); c.435C>T, p.Pro145= (NM_001369691.1, NM_001369692.1, NM_013406.3); c.-115C>T (NM_001369693.1).
Identifiers: ClinVar variation 3346458 (VCV003346458.1).

ClinVar aggregate classification (germline): Likely benign (0 of 4 stars; one submission).

Conditions:
DHPS-related disorder. Also called: DHPS-related condition.

Submission:

PreventionGenetics, part of Exact Sciences
Classification: Likely benign for DHPS-related condition. Last evaluated: 2024-07-30. Review status: no assertion criteria provided. Collection method: clinical testing. Allele origin: germline.
Comment: This variant is classified as likely benign based on ACMG/AMP sequence variant interpretation guidelines (Richards et al. 2015 PMID: 25741868, with internal and published modifications).